The following is an entry in ClinVar:

ClinVar aggregate classification (germline): Benign/Likely benign. Review status: criteria provided, multiple submitters, no conflicts (2 of 4 stars). 3 submissions from 3 submitters: Benign (2); Likely benign (1). Last evaluated 2023-04-01.

Allele frequency attached by ClinVar (database versions not stated): 1000 Genomes Project 30x 0.00219; 1000 Genomes Project 0.00220; gnomAD 0.00264 and 0.00269; TOPMed 0.00281; ESP Exome Variant Server 0.00308; gnomAD exomes 0.00363 and 0.00449; ExAC 0.00710.
gnomAD v4.1: 6,763 of 1,574,600 alleles (0.43%); highest among the groups gnomAD compares: Middle Eastern, 2.2%; 32 homozygotes.

Submissions (3):

CeGaT Center for Human Genetics Tuebingen
Classification: Likely benign. Last evaluated: 2023-04-01. Review status: criteria provided, single submitter. Criteria: CeGaT Center For Human Genetics Tuebingen Variant Classification Criteria Version 2. Collection method: clinical testing. Allele origin: germline. Affected: yes. Observed: 3 variant alleles.
Comment: PHLDB3: BS2

Labcorp Genetics (formerly Invitae), Labcorp
Classification: Benign. Last evaluated: 2018-05-02. Review status: criteria provided, single submitter. Criteria: Invitae Variant Classification Sherloc (09022015). Collection method: clinical testing. Allele origin: germline.

Breakthrough Genomics
Classification: Benign. Review status: criteria provided, single submitter. Criteria: ACMG Guidelines, 2015. Collection method: not provided. Allele origin: germline. Inheritance: Unknown mechanism. Affected: yes.

NM_198850.4(PHLDB3):c.307G>A (p.Gly103Arg)

Gene: PHLDB3 (pleckstrin homology like domain family B member 3; minus strand). Cytogenetic location: 19q13.31.
Variant type: single nucleotide variant.
Coding change: c.307G>A on transcript NM_198850.4 (MANE Select); coding-DNA position 307, G replaced by A.
Protein change: p.Gly103Arg; replaces glycine 103 with arginine.
Molecular consequence: missense variant.
Genome position (GRCh38, 1-based): chr19:43,502,190, C>T on the plus strand (G>A on the coding strand, the complement: PHLDB3 is on the minus strand). VCF-style: chr19-43502190-C-T. GRCh37 (hg19) VCF-style: chr19-44006342-C-T.
Other names: short protein forms G103R.
Identifiers: ClinVar variation 710485 (VCV000710485.28), dbSNP rs76853904, ClinGen allele CA9487609.